The following is an entry in ClinVar:

ClinVar aggregate classification (germline): Uncertain significance. Review status: criteria provided, multiple submitters, no conflicts (2 of 4 stars). 5 submissions from 5 submitters: Uncertain significance (4). 1 of the submissions does not count toward it. Last evaluated 2024-08-16.

Conditions:
Inborn genetic diseases. Identifiers: MedGen C0950123, MeSH D030342.
Carnitine palmitoyl transferase 1A deficiency. Also called: Carnitine palmitoyltransferase type I deficiency; CPT deficiency, hepatic, type IA; Carnitine palmitoyltransferase 1A deficiency; CPT I DEFICIENCY; CPT DEFICIENCY, HEPATIC, TYPE I. Identifiers: Orphanet 156, MedGen C1829703, MONDO:0009705, OMIM 255120.

Allele frequency attached by ClinVar (database versions not stated): gnomAD exomes 0.00014; ESP Exome Variant Server 0.00015; TOPMed 0.00015; ExAC 0.00016; gnomAD 0.00019 and 0.00020.
gnomAD v4.1: 232 of 1,614,028 alleles (0.014%); highest among the groups gnomAD compares: Non-Finnish European, 0.019%; no homozygotes.

Submissions (5):

Blueprint Genetics
Classification: Uncertain significance. Last evaluated: 2024-08-16. Review status: criteria provided, single submitter. Criteria: ACMG Guidelines, 2015. Collection method: clinical testing. Allele origin: germline.

Labcorp Genetics (formerly Invitae), Labcorp
Classification: Uncertain significance for Carnitine palmitoyl transferase 1A deficiency. Last evaluated: 2022-08-17. Review status: criteria provided, single submitter. Criteria: Invitae Variant Classification Sherloc (09022015). Collection method: clinical testing. Allele origin: germline.
Comment: This sequence change replaces alanine, which is neutral and non-polar, with serine, which is neutral and polar, at codon 568 of the CPT1A protein (p.Ala568Ser). This variant is present in population databases (rs1046804, gnomAD 0.03%). This variant has not been reported in the literature in individuals affected with CPT1A-related conditions. ClinVar contains an entry for this variant (Variation ID: 840795). Algorithms developed to predict the effect of missense changes on protein structure and function are either unavailable or do not agree on the potential impact of this missense change (SIFT: "Deleterious"; PolyPhen-2: "Possibly Damaging"; Align-GVGD: "Class C0"). In summary, the available evidence is currently insufficient to determine the role of this variant in disease. Therefore, it has been classified as a Variant of Uncertain Significance.

Ambry Genetics
Classification: Uncertain significance for Inborn genetic diseases. Last evaluated: 2021-07-09. Review status: criteria provided, single submitter. Criteria: Ambry Variant Classification Scheme 2023. Collection method: clinical testing. Allele origin: germline.

Breakthrough Genomics
Classification: Uncertain significance. Review status: criteria provided, single submitter. Criteria: ACMG Guidelines, 2015. Collection method: not provided. Allele origin: germline. Inheritance: Autosomal recessive inheritance. Affected: yes.

Natera, Inc.
Classification: Uncertain significance for Carnitine palmitoyltransferase type I deficiency. Last evaluated: 2020-01-24. Review status: no assertion criteria provided. Collection method: clinical testing. Allele origin: germline. Not counted in ClinVar's aggregate classification.

NM_001876.4(CPT1A):c.1702G>T (p.Ala568Ser)

Gene: CPT1A (carnitine palmitoyltransferase 1A; minus strand). Cytogenetic location: 11q13.3.
Variant type: single nucleotide variant.
Coding change: c.1702G>T on transcript NM_001876.4 (MANE Select); coding-DNA position 1702, G replaced by T.
Protein change: p.Ala568Ser; replaces alanine 568 with serine.
Molecular consequence: missense variant.
Genome position (GRCh38, 1-based): chr11:68,773,303, C>A on the plus strand (G>T on the coding strand, the complement: CPT1A is on the minus strand). VCF-style: chr11-68773303-C-A. GRCh37 (hg19) VCF-style: chr11-68540771-C-A.
Other names: c.1702G>T, p.Ala568Ser (NM_001031847.3); short protein forms A568S.
Identifiers: ClinVar variation 840795 (VCV000840795.7), dbSNP rs1046804, ClinGen allele CA6152236.
Genomic context (GRCh38, chr11:68,773,303, plus strand): 5'-ACCCTAGGCGGTCAGTTCTTACCTTGTAGTGCGCCAGCTGGAGGGCCAGCTGCACAAAGG[C>A]GTCTGGGCTCGTGCGACATTTCTTGATGATTCCTTTACCAAAGGCTACGAATGGGAAGGA-3'
Protein context (NP_001867.2, residues 558-578): IIKKCRTSPD[Ala568Ser]FVQLALQLAH